The following is an entry in ClinVar:

ClinVar aggregate classification (germline): Benign/Likely benign. Review status: criteria provided, multiple submitters, no conflicts (2 of 4 stars). 5 submissions from 3 submitters: Benign (2); Likely benign (3). Last evaluated 2026-01-13.

Conditions:
Oculodentodigital dysplasia (ODDD). Also called: ODD SYNDROME; Oculodentodigital syndrome. Identifiers: Orphanet 2710, MedGen C0812437, MONDO:0008111, OMIM 164200.
Syndactyly type 3 (SDTY3). Also called: RING AND LITTLE FINGER SYNDACTYLY; SYNDACTYLY OF FINGERS IV AND V. Identifiers: Orphanet 93404, MedGen C1861366, MONDO:0008514, OMIM 186100.
Hypoplastic left heart syndrome 1 (HLHS1). Identifiers: Orphanet 2248, MedGen C4551854, MONDO:0009433, OMIM 241550.
Oculodentodigital dysplasia, autosomal recessive. Also called: OCULODENTOOSSEOUS DYSPLASIA, AUTOSOMAL RECESSIVE; ODDD, AUTOSOMAL RECESSIVE; ODOD, AUTOSOMAL RECESSIVE. Identifiers: Orphanet 2710, MedGen C2749477, MONDO:0009768, OMIM 257850.

Allele frequency attached by ClinVar (database versions not stated): gnomAD exomes 0.00003 and 0.00006; gnomAD 0.00007 and 0.00009; ExAC 0.00008; TOPMed 0.00012.
gnomAD v4.1: 65 of 1,613,862 alleles (0.004%); highest among the groups gnomAD compares: Admixed American, 0.035%; no homozygotes.

Submissions (5):

Labcorp Genetics (formerly Invitae), Labcorp
Classification: Likely benign for Oculodentodigital dysplasia, autosomal recessive. Last evaluated: 2026-01-13. Review status: criteria provided, single submitter. Criteria: Invitae Variant Classification Sherloc (09022015). Collection method: clinical testing. Allele origin: germline.

Blueprint Genetics
Classification: Likely benign. Last evaluated: 2024-11-12. Review status: criteria provided, single submitter. Criteria: ACMG Guidelines, 2015. Collection method: clinical testing. Allele origin: germline.

Illumina Laboratory Services, Illumina
Classification: Likely benign for Hypoplastic left heart syndrome 1. Last evaluated: 2017-04-28. Review status: criteria provided, single submitter. Criteria: ICSL Variant Classification Criteria 13 December 2019. Collection method: clinical testing. Allele origin: germline.
Comment: This variant was observed as part of a predisposition screen in an ostensibly healthy population. A literature search was performed for the gene, cDNA change, and amino acid change (where applicable). No publications were found based on this search. Allele frequency data from public databases allowed determination this variant is unlikely to cause disease. Therefore, this variant is classified as likely benign.

Illumina Laboratory Services, Illumina
Classification: Benign for Syndactyly type 3. Last evaluated: 2017-04-28. Review status: criteria provided, single submitter. Criteria: ICSL Variant Classification Criteria 13 December 2019. Collection method: clinical testing. Allele origin: germline.
Comment: This variant was observed as part of a predisposition screen in an ostensibly healthy population. A literature search was performed for the gene, cDNA change, and amino acid change (where applicable). No publications were found based on this search. Allele frequency data from public databases was too high to be consistent with this variant causing disease. Therefore, this variant is classified as benign.

Illumina Laboratory Services, Illumina
Classification: Benign for Oculodentodigital dysplasia. Last evaluated: 2017-04-28. Review status: criteria provided, single submitter. Criteria: ICSL Variant Classification Criteria 13 December 2019. Collection method: clinical testing. Allele origin: germline.
Comment: the same text as in the submission from Illumina Laboratory Services, Illumina above.

NM_000165.5(GJA1):c.612G>A (p.Thr204=)

Gene: GJA1 (gap junction protein alpha 1; plus strand). Cytogenetic location: 6q22.31.
Variant type: single nucleotide variant.
Coding change: c.612G>A on transcript NM_000165.5 (MANE Select); coding-DNA position 612, G replaced by A.
Protein change: p.Thr204=; no amino-acid change (threonine 204 retained).
Molecular consequence: synonymous variant.
Genome position (GRCh38, 1-based): chr6:121,447,459, G>A. VCF-style: chr6-121447459-G-A. GRCh37 (hg19) VCF-style: chr6-121768605-G-A.
Identifiers: ClinVar variation 697127 (VCV000697127.12), dbSNP rs766082259, ClinGen allele CA3981714.